The following is an entry in ClinVar:

ClinVar aggregate classification (germline): Uncertain significance (1 of 4 stars; one submission).

gnomAD v4.1: 1 of 1,208,622 alleles (0.000083%); highest among the groups gnomAD compares: Non-Finnish European, 0.00011%; no homozygotes.

Submission:

Women's Health and Genetics/Laboratory Corporation of America, LabCorp
Classification: Uncertain significance. Last evaluated: 2025-03-06. Review status: criteria provided, single submitter. Criteria: LabCorp Variant Classification Summary - May 2015. Collection method: clinical testing. Allele origin: germline.
Comment: Variant summary: MID2 c.788A>G (p.Lys263Arg) results in a conservative amino acid change in the encoded protein sequence. Four of five in-silico tools predict a benign effect of the variant on protein function. The variant allele was found at a frequency of 5.5e-06 in 182940 control chromosomes. The available data on variant occurrences in the general population are insufficient to allow any conclusion about variant significance. To our knowledge, no occurrence of c.788A>G in individuals affected with Intellectual Disability, X-Linked 101 and no experimental evidence demonstrating its impact on protein function have been reported. No submitters have cited clinical-significance assessments for this variant to ClinVar. Based on the evidence outlined above, the variant was classified as uncertain significance.

NM_012216.4(MID2):c.788A>G (p.Lys263Arg)

Gene: MID2 (midline 2; plus strand). Cytogenetic location: Xq22.3.
Variant type: single nucleotide variant.
Coding change: c.788A>G on transcript NM_012216.4 (MANE Select); coding-DNA position 788, A replaced by G.
Protein change: p.Lys263Arg; replaces lysine 263 with arginine.
Molecular consequence: missense variant.
Genome position (GRCh38, 1-based): chrX:107,854,676, A>G. VCF-style: chrX-107854676-A-G. GRCh37 (hg19) VCF-style: chrX-107097906-A-G.
Other names: c.728A>G, p.Lys243Arg (NM_001382751.1, NM_001382752.1); c.788A>G, p.Lys263Arg (NM_052817.3); short protein forms K243R, K263R.
Identifiers: ClinVar variation 3895810 (VCV003895810.1).